The following is an entry in ClinVar:

ClinVar aggregate classification (germline): Likely benign. Review status: criteria provided, multiple submitters, no conflicts (2 of 4 stars). 2 submissions from 2 submitters: Likely benign (2). Last evaluated 2026-01-06.

Allele frequency attached by ClinVar (database versions not stated): 1000 Genomes Project 0.00020; gnomAD exomes 0.00010; 1000 Genomes Project 30x 0.00016; gnomAD 0.00023 and 0.00024; ExAC 0.00002; TOPMed 0.00016.
gnomAD v4.1: 71 of 1,510,902 alleles (0.0047%); highest among the groups gnomAD compares: Admixed American, 0.13%; no homozygotes.

Submissions (2):

Labcorp Genetics (formerly Invitae), Labcorp
Classification: Likely benign. Last evaluated: 2026-01-06. Review status: criteria provided, single submitter. Criteria: Invitae Variant Classification Sherloc (09022015). Collection method: clinical testing. Allele origin: germline.

Molecular Diagnostic Laboratory for Inherited Cardiovascular Disease, Montreal Heart Institute
Classification: Likely benign. Last evaluated: 2025-07-24. Review status: criteria provided, single submitter. Criteria: ACMG Guidelines, 2015. Collection method: clinical testing. Allele origin: germline. Affected: no.
Comment: BS1;BP7

NM_024664.4(PPCS):c.33C>T (p.Pro11=)

Genes: CCDC30 (coiled-coil domain containing 30; plus strand), PPCS (phosphopantothenoylcysteine synthetase; plus strand). Cytogenetic location: 1p34.2.
Variant type: single nucleotide variant.
Coding change: c.33C>T on transcript NM_024664.4 (MANE Select); coding-DNA position 33, C replaced by T.
Protein change: p.Pro11=; no amino-acid change (proline 11 retained).
Molecular consequence: synonymous variant. On other transcripts: 5 prime UTR variant (3), intron variant (4).
Genome position (GRCh38, 1-based): chr1:42,456,598, C>T. VCF-style: chr1-42456598-C-T. GRCh37 (hg19) VCF-style: chr1-42922269-C-T.
Other names: c.-42C>T (NM_001077447.3); c.-138C>T (NM_001287508.2); c.-660C>T (NM_001287510.2); c.33C>T, p.Pro11= (NM_001287511.2); c.-984+99C>T (NM_001355226.2); c.-328+99C>T (NM_001287507.1); c.-12+99C>T (NM_001287506.1); c.-12+15C>T (NM_001287509.2).
Identifiers: ClinVar variation 1595531 (VCV001595531.8), dbSNP rs567354934, ClinGen allele CA799889.